The following is an entry in ClinVar:

NM_001569.4(IRAK1):c.1855G>A (p.Gly619Ser)

Gene: IRAK1 (interleukin 1 receptor associated kinase 1; minus strand). Cytogenetic location: Xq28.
Variant type: single nucleotide variant.
Coding change: c.1855G>A on transcript NM_001569.4 (MANE Select); coding-DNA position 1855, G replaced by A.
Protein change: p.Gly619Ser; replaces glycine 619 with serine.
Molecular consequence: missense variant.
Genome position (GRCh38, 1-based): chrX:154,013,118, C>T on the plus strand (G>A on the coding strand, the complement: IRAK1 is on the minus strand). VCF-style: chrX-154013118-C-T. GRCh37 (hg19) VCF-style: chrX-153278569-C-T.
Other names: c.1765G>A, p.Gly589Ser (NM_001025242.2); c.1618G>A, p.Gly540Ser (NM_001025243.2); c.1843G>A, p.Gly615Ser (NM_001410701.1); c.1855G>A (NM_001569.3); short protein forms G540S, G589S, G615S, G619S.
Identifiers: ClinVar variation 2661779 (VCV002661779.26), dbSNP rs34112487, ClinGen allele CA10558056.

ClinVar aggregate classification (germline): Likely benign. Review status: criteria provided, multiple submitters, no conflicts (2 of 4 stars). 3 submissions from 3 submitters: Likely benign (2). 1 of the submissions does not count toward it. Last evaluated 2024-09-05.

Conditions:
IRAK1-related disorder. Also called: IRAK1-related condition.

Allele frequency attached by ClinVar (database versions not stated): gnomAD exomes 0.00007; gnomAD 0.00008; ESP Exome Variant Server 0.00010; TOPMed 0.00012; ExAC 0.00020; 1000 Genomes Project 30x 0.00021; 1000 Genomes Project 0.00026.
gnomAD v4.1: 86 of 1,208,860 alleles (0.0071%); highest among the groups gnomAD compares: East Asian, 0.19%; 1 homozygote.

Submissions (3):

Blueprint Genetics
Classification: Likely benign. Last evaluated: 2024-09-05. Review status: criteria provided, single submitter. Criteria: ACMG Guidelines, 2015. Collection method: clinical testing. Allele origin: germline.

CeGaT Center for Human Genetics Tuebingen
Classification: Likely benign. Last evaluated: 2023-02-01. Review status: criteria provided, single submitter. Criteria: CeGaT Center For Human Genetics Tuebingen Variant Classification Criteria Version 2. Collection method: clinical testing. Allele origin: germline. Affected: yes. Observed: 1 variant allele.
Comment: IRAK1: BP4, BS2

PreventionGenetics, part of Exact Sciences
Classification: Likely benign for IRAK1-related condition. Last evaluated: 2020-11-10. Review status: no assertion criteria provided. Collection method: clinical testing. Allele origin: germline. Not counted in ClinVar's aggregate classification.
Comment: This variant is classified as likely benign based on ACMG/AMP sequence variant interpretation guidelines (Richards et al. 2015 PMID: 25741868, with internal and published modifications).